The following is an entry in ClinVar:

NM_032656.4(DHX37):c.540C>G (p.Asp180Glu)

Gene: DHX37 (DEAH-box helicase 37; minus strand). Cytogenetic location: 12q24.31.
Variant type: single nucleotide variant.
Coding change: c.540C>G on transcript NM_032656.4 (MANE Select); coding-DNA position 540, C replaced by G.
Protein change: p.Asp180Glu; replaces aspartic acid 180 with glutamic acid.
Molecular consequence: missense variant.
Genome position (GRCh38, 1-based): chr12:124,980,688, G>C on the plus strand (C>G on the coding strand, the complement: DHX37 is on the minus strand). VCF-style: chr12-124980688-G-C. GRCh37 (hg19) VCF-style: chr12-125465234-G-C.
Other names: c.540C>G (NM_032656.3); short protein forms D180E.
Identifiers: ClinVar variation 2067656 (VCV002067656.6), dbSNP rs78350183, ClinGen allele CA6872416.

ClinVar aggregate classification (germline): Benign. Review status: criteria provided, single submitter (1 of 4 stars). 2 submissions from 2 submitters: Benign (1). 1 of the submissions does not count toward it. Last evaluated 2025-12-24.

Conditions:
DHX37-related disorder. Also called: DHX37-Related Disorders; DHX37-related condition.

Allele frequency attached by ClinVar (database versions not stated): ESP Exome Variant Server 0.00347; 1000 Genomes Project 0.00679; 1000 Genomes Project 30x 0.00734.
gnomAD v4.1: 1,333 of 1,580,166 alleles (0.084%); highest among the groups gnomAD compares: African/African-American, 1.6%; 7 homozygotes.

Submissions (2):

Labcorp Genetics (formerly Invitae), Labcorp
Classification: Benign. Last evaluated: 2025-12-24. Review status: criteria provided, single submitter. Criteria: Invitae Variant Classification Sherloc (09022015). Collection method: clinical testing. Allele origin: germline.

PreventionGenetics, part of Exact Sciences
Classification: Benign for DHX37-related condition. Last evaluated: 2019-12-05. Review status: no assertion criteria provided. Collection method: clinical testing. Allele origin: germline. Not counted in ClinVar's aggregate classification.
Comment: This variant is classified as benign based on ACMG/AMP sequence variant interpretation guidelines (Richards et al. 2015 PMID: 25741868, with internal and published modifications).